The following is an entry in ClinVar:

ClinVar aggregate classification (germline): Uncertain significance (0 of 4 stars; one submission).

Conditions:
Noonan syndrome 2 (NS2). Identifiers: Orphanet 648, MedGen C1854469, MONDO:0011531, OMIM 605275.
Noonan syndrome 10 (NS10). Identifiers: Orphanet 648, MedGen C4225280, MONDO:0014693, OMIM 616564.

Submission:

Laboratorio de Biologia Molecular - Genetica, Hospital de Pediatria Garrahan
Classification: Uncertain significance for Noonan syndrome 10; Noonan syndrome 2. Review status: no assertion criteria provided. Collection method: clinical testing. Allele origin: germline. Inheritance: Sporadic. Affected: yes. Observed: 1 heterozygote.
Comment: According to ACMG guidelines this is classified as variants of unknown significance. It was not identified in the databases, including ExAC and 1000 Genomes. Different in silico analysis classified it as deleterious. The variant c.2245T>C (p.Tyr749His) is located in the BTB/POZ domain. All mutations described so far in this domain are associated to recessive Noonan syndrome.

NM_006767.4(LZTR1):c.2245T>C (p.Tyr749His)

Gene: LZTR1 (leucine zipper like post translational regulator 1; plus strand). Cytogenetic location: 22q11.21.
Variant type: single nucleotide variant.
Coding change: c.2245T>C on transcript NM_006767.4 (MANE Select); coding-DNA position 2245, T replaced by C.
Protein change: p.Tyr749His; replaces tyrosine 749 with histidine.
Molecular consequence: missense variant.
Genome position (GRCh38, 1-based): chr22:20,996,721, T>C. VCF-style: chr22-20996721-T-C. GRCh37 (hg19) VCF-style: chr22-21351010-T-C.
Other names: short protein forms Y749H.
Identifiers: ClinVar variation 634900 (VCV000634900.3), dbSNP rs1601723615, ClinGen allele CA410780776.